The following is an entry in ClinVar:

NM_000387.6(SLC25A20):c.803G>T (p.Gly268Val)

Gene: SLC25A20 (solute carrier family 25 member 20; minus strand). Cytogenetic location: 3p21.31.
Variant type: single nucleotide variant.
Coding change: c.803G>T on transcript NM_000387.6 (MANE Select); coding-DNA position 803, G replaced by T.
Protein change: p.Gly268Val; replaces glycine 268 with valine.
Molecular consequence: missense variant.
Genome position (GRCh38, 1-based): chr3:48,858,547, C>A on the plus strand (G>T on the coding strand, the complement: SLC25A20 is on the minus strand). VCF-style: chr3-48858547-C-A. GRCh37 (hg19) VCF-style: chr3-48895980-C-A.
Other names: short protein forms G268V.
Identifiers: ClinVar variation 639497 (VCV000639497.3), dbSNP rs764658807, ClinGen allele CA352625877.

ClinVar aggregate classification (germline): Uncertain significance (1 of 4 stars; one submission).

Conditions:
Carnitine acylcarnitine translocase deficiency (CACTD). Identifiers: Orphanet 159, MedGen C0342791, MONDO:0008918, OMIM 212138.

Allele frequency attached by ClinVar (database versions not stated): gnomAD 0.00001.
gnomAD v4.1: 5 of 1,614,098 alleles (0.00031%); highest among the groups gnomAD compares: South Asian, 0.0011%; no homozygotes.

Submission:

Labcorp Genetics (formerly Invitae), Labcorp
Classification: Uncertain significance for Carnitine acylcarnitine translocase deficiency. Last evaluated: 2023-11-27. Review status: criteria provided, single submitter. Criteria: Invitae Variant Classification Sherloc (09022015). Collection method: clinical testing. Allele origin: germline.
Comment: This sequence change replaces glycine, which is neutral and non-polar, with valine, which is neutral and non-polar, at codon 268 of the SLC25A20 protein (p.Gly268Val). This variant is present in population databases (no rsID available, gnomAD 0.003%). This missense change has been observed in individual(s) with SLC25A20-related disease (Invitae). In at least one individual the data is consistent with being in trans (on the opposite chromosome) from a pathogenic variant. ClinVar contains an entry for this variant (Variation ID: 639497). Advanced modeling of protein sequence and biophysical properties (such as structural, functional, and spatial information, amino acid conservation, physicochemical variation, residue mobility, and thermodynamic stability) performed at Invitae indicates that this missense variant is expected to disrupt SLC25A20 protein function with a positive predictive value of 80%. In summary, the available evidence is currently insufficient to determine the role of this variant in disease. Therefore, it has been classified as a Variant of Uncertain Significance.